The following is an entry in ClinVar:

NM_000321.3(RB1):c.1837C>T (p.Pro613Ser)

Gene: RB1 (RB transcriptional corepressor 1; plus strand). Cytogenetic location: 13q14.2.
Variant type: single nucleotide variant.
Coding change: c.1837C>T on transcript NM_000321.3 (MANE Select); coding-DNA position 1837, C replaced by T.
Protein change: p.Pro613Ser; replaces proline 613 with serine.
Molecular consequence: missense variant.
Genome position (GRCh38, 1-based): chr13:48,456,226, C>T. VCF-style: chr13-48456226-C-T. GRCh37 (hg19) VCF-style: chr13-49030362-C-T.
Other names: short protein forms P613S.
Identifiers: ClinVar variation 527920 (VCV000527920.8), dbSNP rs1555293835, ClinGen allele CA388165732.

ClinVar aggregate classification (germline): Uncertain significance (1 of 4 stars; one submission).

Conditions:
Retinoblastoma (RB1). Also called: RETINOBLASTOMA, SOMATIC. Identifiers: Orphanet 790, MedGen C0035335, MeSH D012175, MONDO:0008380, OMIM 180200, HP:0009919. Disease mechanism: loss of function. Inheritance: Both sporadic and heritable forms are tested..

Submission:

Labcorp Genetics (formerly Invitae), Labcorp
Classification: Uncertain significance for Retinoblastoma. Last evaluated: 2023-12-22. Review status: criteria provided, single submitter. Criteria: Invitae Variant Classification Sherloc (09022015). Collection method: clinical testing. Allele origin: germline.
Comment: This sequence change replaces proline, which is neutral and non-polar, with serine, which is neutral and polar, at codon 613 of the RB1 protein (p.Pro613Ser). This variant is not present in population databases (gnomAD no frequency). This variant has not been reported in the literature in individuals affected with RB1-related conditions. ClinVar contains an entry for this variant (Variation ID: 527920). Advanced modeling of protein sequence and biophysical properties (such as structural, functional, and spatial information, amino acid conservation, physicochemical variation, residue mobility, and thermodynamic stability) performed at Invitae indicates that this missense variant is not expected to disrupt RB1 protein function with a negative predictive value of 80%. In summary, the available evidence is currently insufficient to determine the role of this variant in disease. Therefore, it has been classified as a Variant of Uncertain Significance.